The following is an entry in ClinVar:

ClinVar aggregate classification (germline): Likely benign (1 of 4 stars; one submission).

Allele frequency attached by ClinVar (database versions not stated): 1000 Genomes Project 0.00100; 1000 Genomes Project 30x 0.00141; ExAC 0.00198; gnomAD 0.00212; TOPMed 0.00303; gnomAD exomes 0.00341; ESP Exome Variant Server 0.00385.
gnomAD v4.1: 5,280 of 1,607,296 alleles (0.33%); highest among the groups gnomAD compares: Non-Finnish European, 0.41%; 33 homozygotes.

Submissions (3):

CeGaT Center for Human Genetics Tuebingen
Classification: Likely benign. Last evaluated: 2024-08-01. Review status: criteria provided, single submitter. Criteria: CeGaT Center For Human Genetics Tuebingen Variant Classification Criteria Version 2. Collection method: clinical testing. Allele origin: germline. Affected: yes. Observed: 2 variant alleles.
Comment: ANKRD30A: BS2

Dr. Peter K. Rogan Lab, Western University
No classification provided (evidence only). Condition: Familial cancer of breast. Review status: no classification provided. Collection method: in vitro. Allele origin: not applicable. Functional consequence: retained intron. Not counted in ClinVar's aggregate classification.

Dr. Peter K. Rogan Lab, Western University
No classification provided (evidence only). Condition: Familial cancer of breast. Review status: no classification provided. Collection method: in vitro. Allele origin: not applicable. Functional consequence: retained intron. Not counted in ClinVar's aggregate classification.

NM_052997.3(ANKRD30A):c.2003A>T (p.Asp668Val)

Gene: ANKRD30A (ankyrin repeat domain 30A; plus strand). Cytogenetic location: 10p11.21.
Variant type: single nucleotide variant.
Coding change: c.2003A>T on transcript NM_052997.3 (MANE Select); coding-DNA position 2003, A replaced by T.
Protein change: p.Asp668Val; replaces aspartic acid 668 with valine.
Molecular consequence: missense variant.
Genome position (GRCh38, 1-based): chr10:37,165,094, A>T. VCF-style: chr10-37165094-A-T. GRCh37 (hg19) VCF-style: chr10-37454022-A-T.
Other names: NC_000010.10:g.37454022A>T; short protein forms D668V.
Identifiers: ClinVar variation 2640410 (VCV002640410.25), dbSNP rs200440492, ClinGen allele CA5471691.